The following is an entry in ClinVar:

NM_002382.5(MAX):c.172-6176C>G

Gene: MAX (MYC associated transcriptional regulator X; minus strand). Cytogenetic location: 14q23.3.
Variant type: single nucleotide variant.
Coding change: c.172-6176C>G on transcript NM_002382.5 (MANE Select); 6176 bases into the intron before coding-DNA position 172, C replaced by G.
Molecular consequence: intron variant. On other transcripts: missense variant (3), 3 prime UTR variant (1), non-coding transcript variant (4).
Genome position (GRCh38, 1-based): chr14:65,084,212, G>C on the plus strand (C>G on the coding strand, the complement: MAX is on the minus strand). VCF-style: chr14-65084212-G-C. GRCh37 (hg19) VCF-style: chr14-65550930-G-C.
Other names: c.145-6176C>G (NM_001407110.1, NM_001407102.1, NM_001407101.1 and 6 more transcripts); c.172-6176C>G (NM_001407094.1, NM_001407104.1, NM_001407103.1 and 3 more transcripts); c.64-6176C>G (NM_001407098.1); c.-103-6176C>G (NM_001320415.2, NM_001407105.1, NM_001407106.1 and 1 more transcripts); c.-196-6176C>G (NM_001407111.1, NM_001407112.1); c.232C>G, p.Gln78Glu (NM_001407113.1, NM_001271068.2); c.*33C>G (NM_001407114.1); c.259C>G, p.Gln87Glu (NM_145114.3); and 2 more; short protein forms Q78E, Q87E.
Identifiers: ClinVar variation 5023960 (VCV005023960.1).
Genomic context (GRCh38, chr14:65,084,212, plus strand): 5'-TTGTGTAAGGGGTCAAAACAATCATTTTTTAAATCTTGCATTCTTTTTTCTTGTGCACTT[G>C]GTAGCTTGAAATGAAGGTGTGGCATTTCTGCATCAAACTTTGACGATGAAGGACAGGAGT-3'

ClinVar aggregate classification (germline): Uncertain significance (1 of 4 stars; one submission).

Conditions:
Hereditary cancer-predisposing syndrome. Also called: Neoplastic Syndromes, Hereditary; Tumor predisposition; Hereditary neoplastic syndrome; Hereditary Cancer Syndrome. Identifiers: Orphanet 140162, MedGen C0027672, MeSH D009386, MONDO:0015356.

gnomAD v4.1: 1 of 1,614,014 alleles (0.000062%); highest among the groups gnomAD compares: Non-Finnish European, 0.000085%; no homozygotes.

Submission:

Ambry Genetics
Classification: Uncertain significance for Hereditary cancer-predisposing syndrome. Last evaluated: 2026-07-06. Review status: criteria provided, single submitter. Criteria: Ambry Variant Classification Scheme 2023. Collection method: clinical testing. Allele origin: germline.
Comment: The p.Q87E variant (also known as c.259C>G), located in coding exon 4 of the MAX gene, results from a C to G substitution at nucleotide position 259. The glutamine at codon 87 is replaced by glutamic acid, an amino acid with highly similar properties. This amino acid position is conserved. In addition, this alteration is predicted to be tolerated by in silico analysis. Based on the available evidence, the clinical significance of this variant remains unclear.